The following is an entry in ClinVar:

ClinVar aggregate classification (germline): Likely pathogenic (1 of 4 stars; one submission).

Conditions:
Dilated cardiomyopathy 1G (CMD1G). Identifiers: Orphanet 154, MedGen C1858763, MONDO:0011400, OMIM 604145.
Autosomal recessive limb-girdle muscular dystrophy type 2J (LGMDR10). Also called: Limb-girdle muscular dystrophy, type 2J; MUSCULAR DYSTROPHY, LIMB-GIRDLE, AUTOSOMAL RECESSIVE 10. Identifiers: Orphanet 140922, MedGen C1837342, MONDO:0012127, OMIM 608807.

Submission:

Labcorp Genetics (formerly Invitae), Labcorp
Classification: Likely pathogenic for Dilated cardiomyopathy 1G; Autosomal recessive limb-girdle muscular dystrophy type 2J. Last evaluated: 2023-05-02. Review status: criteria provided, single submitter. Criteria: Invitae Variant Classification Sherloc (09022015). Collection method: clinical testing. Allele origin: germline.
Comment: This sequence change creates a premature translational stop signal (p.Asp27510Valfs*15) in the TTN gene. While this is not anticipated to result in nonsense mediated decay, it is expected to create a truncated TTN protein. This variant is not present in population databases (gnomAD no frequency). This variant has not been reported in the literature in individuals affected with TTN-related conditions. This variant is located in the A band of TTN (PMID: 25589632). Truncating variants in this region are significantly overrepresented in patients affected with dilated cardiomyopathy (PMID: 25589632). Truncating variants in this region have also been reported in individuals affected with autosomal recessive centronuclear myopathy (PMID: 23975875). In summary, the currently available evidence indicates that the variant is pathogenic, but additional data are needed to prove that conclusively. Therefore, this variant has been classified as Likely Pathogenic.

Literature cited by the submitters: PubMed 25589632; PubMed 23975875.

NM_001267550.2(TTN):c.82529del (p.Asp27510fs)

Genes: TTN-AS1 (TTN antisense RNA 1; plus strand), TTN (titin; minus strand). Cytogenetic location: 2q31.2.
Variant type: Deletion.
Coding change: c.82529del on transcript NM_001267550.2 (MANE Select); coding-DNA position 82529, one base deleted (A; older notation c.82529delA).
Protein change: p.Asp27510fs; shifts the reading frame from aspartic acid 27510.
Molecular consequence: frameshift variant.
Genome position (GRCh38, 1-based): chr2:178,563,603, T deleted on the plus strand (A on the coding strand, the reverse complement: TTN is on the minus strand). VCF-style (leftmost placement, unchanged base first): chr2-178563602-AT-A. GRCh37 (hg19) VCF-style: chr2-179428329-AT-A.
Other names: c.77606del, p.Asp25869fs (NM_001256850.1); c.55334del, p.Asp18445fs (NM_003319.4); c.74825del, p.Asp24942fs (NM_133378.4); c.55709del, p.Asp18570fs (NM_133432.3); c.55910del, p.Asp18637fs (NM_133437.4); short protein forms D24942fs, D18637fs, D27510fs, D25869fs, D18445fs, D18570fs.
Identifiers: ClinVar variation 2947418 (VCV002947418.3), dbSNP rs2468172289, ClinGen allele CA2740095911.
Genomic context (GRCh38, chr2:178,563,602, plus strand): 5'-CCTGAGCCGCAGATCCGTTAATGTTTTCTTGTTGCACTTGGTCCATCTAACGCCTTCCTT[AT>A]CTCGTTTTTCAAGAATGTAGCCCTCAATTTCGGTACCTCCGTCGTCTACTGGGCGTGCCC-3'